The following is an entry in ClinVar:

ClinVar aggregate classification (germline): Uncertain significance (1 of 4 stars; one submission).

Submission:

Labcorp Genetics (formerly Invitae), Labcorp
Classification: Uncertain significance. Last evaluated: 2022-01-06. Review status: criteria provided, single submitter. Criteria: Invitae Variant Classification Sherloc (09022015). Collection method: clinical testing. Allele origin: germline.
Comment: This variant has not been reported in the literature in individuals affected with COL9A1-related conditions. In summary, the available evidence is currently insufficient to determine the role of this variant in disease. Therefore, it has been classified as a Variant of Uncertain Significance. Variants that disrupt the consensus splice site are a relatively common cause of aberrant splicing (PMID: 17576681, 9536098). Algorithms developed to predict the effect of sequence changes on RNA splicing suggest that this variant is not likely to affect RNA splicing. ClinVar contains an entry for this variant (Variation ID: 956877). This variant is not present in population databases (gnomAD no frequency). This sequence change falls in intron 23 of the COL9A1 gene. It does not directly change the encoded amino acid sequence of the COL9A1 protein. It affects a nucleotide within the consensus splice site.

Literature cited by the submitters: PubMed 17576681; PubMed 9536098.

NM_001851.6(COL9A1):c.1611+6T>C

Gene: COL9A1 (collagen type IX alpha 1 chain; minus strand). Cytogenetic location: 6q13.
Variant type: single nucleotide variant.
Coding change: c.1611+6T>C on transcript NM_001851.6 (MANE Select); 6 bases into the intron after coding-DNA position 1611, T replaced by C.
Molecular consequence: intron variant.
Genome position (GRCh38, 1-based): chr6:70,255,144, A>G on the plus strand (T>C on the coding strand, the complement: COL9A1 is on the minus strand). VCF-style: chr6-70255144-A-G. GRCh37 (hg19) VCF-style: chr6-70964847-A-G.
Other names: c.882+6T>C (NM_001377290.1, NM_078485.4, NM_001377289.1).
Identifiers: ClinVar variation 956877 (VCV000956877.9), dbSNP rs1771197044, ClinGen allele CA1139659667.